The following is an entry in ClinVar:

ClinVar aggregate classification (germline): Pathogenic (1 of 4 stars; one submission).

Conditions:
Childhood onset hearing loss.

Submission:

National Institute on Deafness and Communication Disorders, National Institutes of Health
Classification: Pathogenic for Childhood onset hearing loss. Last evaluated: 2021-07-08. Review status: criteria provided, single submitter. Criteria: ClinGen HL ACMG Specifications v1. Collection method: research. Allele origin: germline, paternal. Inheritance: Autosomal recessive inheritance. Affected: yes. Observed: 4 compound heterozygotes. Clinical features observed: Childhood onset hearing loss. Segregation with disease observed.
Comment: PVS1, PM2, PM3_moderate, PP1_supporting (0.73) / Modifications from PMID: 30311386 for classification: The genetic causes of hearing loss have not yet been well characterized in the Yoruba population, and the information regarding variant MAF in this population is still limited, so we did not exclude any variant based on their "high" MAF. PP3 criteria was applied even if the REVEL score was below 0.7, if at least two of the pathogenicity prediction algorithms used predicted that the variant was damaging or likely damaging.

was found associated with NM_022124.6:c.3176A>T

NM_022124.6(CDH23):c.7872+1G>A

Gene: CDH23 (cadherin related 23; plus strand). Cytogenetic location: 10q22.1.
Variant type: single nucleotide variant.
Coding change: c.7872+1G>A on transcript NM_022124.6 (MANE Select); the canonical splice donor site of the intron after coding-DNA position 7872, G replaced by A.
Molecular consequence: splice donor variant.
Genome position (GRCh38, 1-based): chr10:71,803,421, G>A. VCF-style: chr10-71803421-G-A. GRCh37 (hg19) VCF-style: chr10-73563178-G-A.
Other names: c.1152+1G>A (NM_001171933.1, NM_001171934.1).
Identifiers: ClinVar variation 1027559 (VCV001027559.3), dbSNP rs746152246, ClinGen allele CA209472836.